The following is an entry in ClinVar:

NM_000395.3(CSF2RB):c.1976G>C (p.Ser659Thr)

Gene: CSF2RB (colony stimulating factor 2 receptor subunit beta; plus strand). Cytogenetic location: 22q12.3.
Variant type: single nucleotide variant.
Coding change: c.1976G>C on transcript NM_000395.3 (MANE Select); coding-DNA position 1976, G replaced by C.
Protein change: p.Ser659Thr; replaces serine 659 with threonine.
Molecular consequence: missense variant.
Genome position (GRCh38, 1-based): chr22:36,937,784, G>C. VCF-style: chr22-36937784-G-C. GRCh37 (hg19) VCF-style: chr22-37333826-G-C.
Other names: c.1976G>C (NM_000395.2); short protein forms S659T.
Identifiers: ClinVar variation 1363420 (VCV001363420.10), dbSNP rs188184309, ClinGen allele CA10214017.
Genomic context (GRCh38, chr22:36,937,784, plus strand): 5'-TGGTCCCTCTGGCCCAGGCGATGGGACCAGGACAGGCCGTGGAAGTGGAGAGAAGGCCGA[G>C]CCAGGGGGCTGCAGGGAGTCCCTCCCTGGAGTCCGGGGGAGGCCCTGCCCCTCCTGCTCT-3'
Protein context (NP_000386.1, residues 649-669): GQAVEVERRP[Ser659Thr]QGAAGSPSLE

ClinVar aggregate classification (germline): Uncertain significance. Review status: criteria provided, multiple submitters, no conflicts (2 of 4 stars). 3 submissions from 3 submitters: Uncertain significance (3). Last evaluated 2025-10-14.

Conditions:
Inborn genetic diseases. Identifiers: MedGen C0950123, MeSH D030342.

Allele frequency attached by ClinVar (database versions not stated): gnomAD exomes 0.00002 and 0.00008; ExAC 0.00009; gnomAD 0.00018 and 0.00019; TOPMed 0.00028; 1000 Genomes Project 30x 0.00031; ESP Exome Variant Server 0.00031; 1000 Genomes Project 0.00040.
gnomAD v4.1: 58 of 1,585,532 alleles (0.0037%); highest among the groups gnomAD compares: African/African-American, 0.062%; no homozygotes.

Submissions (3):

Labcorp Genetics (formerly Invitae), Labcorp
Classification: Uncertain significance. Last evaluated: 2025-10-14. Review status: criteria provided, single submitter. Criteria: Invitae Variant Classification Sherloc (09022015). Collection method: clinical testing. Allele origin: germline.
Comment: This sequence change replaces serine, which is neutral and polar, with threonine, which is neutral and polar, at codon 659 of the CSF2RB protein (p.Ser659Thr). This variant is present in population databases (rs188184309, gnomAD 0.07%), and has an allele count higher than expected for a pathogenic variant. This variant has not been reported in the literature in individuals affected with CSF2RB-related conditions. ClinVar contains an entry for this variant (Variation ID: 1363420). Invitae Evidence Modeling of protein sequence and biophysical properties (such as structural, functional, and spatial information, amino acid conservation, physicochemical variation, residue mobility, and thermodynamic stability) indicates that this missense variant is expected to disrupt CSF2RB protein function with a positive predictive value of 80%. In summary, the available evidence is currently insufficient to determine the role of this variant in disease. Therefore, it has been classified as a Variant of Uncertain Significance.

Ambry Genetics
Classification: Uncertain significance for Inborn genetic diseases. Last evaluated: 2024-06-16. Review status: criteria provided, single submitter. Criteria: Ambry Variant Classification Scheme 2023. Collection method: clinical testing. Allele origin: germline.

Breakthrough Genomics
Classification: Uncertain significance. Review status: criteria provided, single submitter. Criteria: ACMG Guidelines, 2015. Collection method: not provided. Allele origin: germline. Inheritance: Autosomal dominant inheritance. Affected: yes.